The following is an entry in ClinVar:

ClinVar aggregate classification (germline): Conflicting classifications of pathogenicity. Review status: criteria provided, conflicting classifications (1 of 4 stars). 4 submissions from 4 submitters: Uncertain significance (2); Likely benign (1). 1 of the submissions does not count toward it. Last evaluated 2021-07-30.

Conditions:
Microcephaly 18, primary, autosomal dominant (MCPH18). Identifiers: MedGen C4479608, MONDO:0054593, OMIM 617520.
WDFY3-related disorder.
Inborn genetic diseases. Identifiers: MedGen C0950123, MeSH D030342.

Allele frequency attached by ClinVar (database versions not stated): gnomAD exomes 0.00009 and 0.00028; ExAC 0.00038; gnomAD 0.00097 and 0.00100; TOPMed 0.00102; ESP Exome Variant Server 0.00131; 1000 Genomes Project 0.00140; 1000 Genomes Project 30x 0.00141.
gnomAD v4.1: 287 of 1,613,638 alleles (0.018%); highest among the groups gnomAD compares: African/African-American, 0.29%; no homozygotes.

Submissions (4):

Department of Pathology and Laboratory Medicine, Sinai Health System
Classification: Uncertain significance for Microcephaly 18, primary, autosomal dominant. Last evaluated: 2021-07-30. Review status: criteria provided, single submitter. Criteria: ACMG Guidelines, 2015. Collection method: research. Allele origin: germline.

Ambry Genetics
Classification: Uncertain significance for Inborn genetic diseases. Last evaluated: 2020-11-10. Review status: criteria provided, single submitter. Criteria: Ambry Variant Classification Scheme 2023. Collection method: clinical testing. Allele origin: germline.

Labcorp Genetics (formerly Invitae), Labcorp
Classification: Likely benign. Last evaluated: 2018-09-11. Review status: criteria provided, single submitter. Criteria: Invitae Variant Classification Sherloc (09022015). Collection method: clinical testing. Allele origin: germline.

PreventionGenetics, part of Exact Sciences
Classification: Likely benign for WDFY3-related condition. Last evaluated: 2019-08-13. Review status: no assertion criteria provided. Collection method: clinical testing. Allele origin: germline. Not counted in ClinVar's aggregate classification.
Comment: This variant is classified as likely benign based on ACMG/AMP sequence variant interpretation guidelines (Richards et al. 2015 PMID: 25741868, with internal and published modifications).

NM_014991.6(WDFY3):c.1856C>T (p.Thr619Met)

Gene: WDFY3 (WD repeat and FYVE domain containing 3; minus strand). Cytogenetic location: 4q21.23.
Variant type: single nucleotide variant.
Coding change: c.1856C>T on transcript NM_014991.6 (MANE Select); coding-DNA position 1856, C replaced by T.
Protein change: p.Thr619Met; replaces threonine 619 with methionine.
Molecular consequence: missense variant.
Genome position (GRCh38, 1-based): chr4:84,817,423, G>A on the plus strand (C>T on the coding strand, the complement: WDFY3 is on the minus strand). VCF-style: chr4-84817423-G-A. GRCh37 (hg19) VCF-style: chr4-85738576-G-A.
Other names: short protein forms T619M.
Identifiers: ClinVar variation 742591 (VCV000742591.9), dbSNP rs142360058, ClinGen allele CA2993882.
Genomic context (GRCh38, chr4:84,817,423, plus strand): 5'-AAGAAGGGAAACACATTTATCAAACTTACCCTTAAAATATCAGTCTTCAACTGCAATTCC[G>A]TCGGTGGGGCTGAATGCATTAGCCCCAGGAGAGTGCCCATGTCATCGTCCCCATTTGGGG-3'
Protein context (NP_055806.2, residues 609-629): LLGLMHSAPP[Thr619Met]ELQLKTDILR